The following is an entry in ClinVar:

NC_000008.11:g.(?_132129252)_(132186191_?)dup

Gene: KCNQ3 (potassium voltage-gated channel subfamily Q member 3; minus strand). Cytogenetic location: 8q24.22.
Variant type: Duplication.
Identifiers: ClinVar variation 831015 (VCV000831015.2).

ClinVar aggregate classification (germline): Uncertain significance (1 of 4 stars; one submission).

Conditions:
Benign neonatal seizures. Also called: Benign familial neonatal epilepsy; Convulsions benign familial neonatal dominant form; Autosomal dominant form of benign neonatal seizures; Benign neonatal familial convulsions; Benign familial neonatal seizures. Identifiers: Orphanet 1949, MedGen C0220669, MONDO:0016027.

Submission:

Labcorp Genetics (formerly Invitae), Labcorp
Classification: Uncertain significance for Benign neonatal seizures. Last evaluated: 2019-10-16. Review status: criteria provided, single submitter. Criteria: Invitae Variant Classification Sherloc (09022015). Collection method: clinical testing. Allele origin: germline.
Comment: This variant results in a copy number gain of the genomic region encompassing the full coding sequence of the KCNQ3 gene. The boundaries of this event are unknown as they extend beyond the assayed region for this gene and therefore may encompass additional genes. As the precise location of this event is unknown, it may be in tandem or it may be located elsewhere in the genome. This variant has not been reported in the literature in individuals with KCNQ3-related conditions. Experimental studies and prediction algorithms are not available or were not evaluated, and the functional significance of this variant is currently unknown. In summary, the available evidence is currently insufficient to determine the role of this variant in disease. Therefore, it has been classified as a Variant of Uncertain Significance.